The following is an entry in ClinVar:

ClinVar aggregate classification (germline): Uncertain significance (1 of 4 stars; one submission).

Conditions:
Hereditary cancer-predisposing syndrome. Also called: Neoplastic Syndromes, Hereditary; Tumor predisposition; Hereditary neoplastic syndrome; Hereditary Cancer Syndrome. Identifiers: Orphanet 140162, MedGen C0027672, MeSH D009386, MONDO:0015356.

Submission:

Ambry Genetics
Classification: Uncertain significance for Hereditary cancer-predisposing syndrome. Last evaluated: 2023-12-12. Review status: criteria provided, single submitter. Criteria: Ambry Variant Classification Scheme 2023. Collection method: clinical testing. Allele origin: germline.
Comment: The p.G911C variant (also known as c.2731G>T) is located in coding exon 16 of the RET gene. The glycine at codon 911 is replaced by cysteine, an amino acid with highly dissimilar properties. This change occurs in the first base pair of coding exon 16. This amino acid position is conserved. In addition, this alteration is predicted to be deleterious by in silico analysis. Since supporting evidence is limited at this time, the clinical significance of this alteration remains unclear.

NM_020975.6(RET):c.2731G>T (p.Gly911Cys)

Gene: RET (ret proto-oncogene; plus strand). Cytogenetic location: 10q11.21.
Variant type: single nucleotide variant.
Coding change: c.2731G>T on transcript NM_020975.6 (MANE Select); coding-DNA position 2731, G replaced by T.
Protein change: p.Gly911Cys; replaces glycine 911 with cysteine.
Molecular consequence: missense variant.
Genome position (GRCh38, 1-based): chr10:43,121,946, G>T. VCF-style: chr10-43121946-G-T. GRCh37 (hg19) VCF-style: chr10-43617394-G-T.
Other names: c.2731G>T, p.Gly911Cys (NM_000323.2, NM_001406743.1, NM_001406744.1 and 4 more transcripts); c.1969G>T, p.Gly657Cys (NM_001355216.2); c.2602G>T, p.Gly868Cys (NM_001406761.1, NM_001406762.1, NM_001406764.1); c.2596G>T, p.Gly866Cys (NM_001406763.1, NM_001406765.1); c.2443G>T, p.Gly815Cys (NM_001406766.1, NM_001406767.1, NM_001406770.1); c.2467G>T, p.Gly823Cys (NM_001406768.1); c.2335G>T, p.Gly779Cys (NM_001406769.1, NM_001406772.1); c.2293G>T, p.Gly765Cys (NM_001406771.1, NM_001406773.1); and 10 more; short protein forms G428C, G476C, G516C, G567C, G569C, G572C, G581C, G612C.
Identifiers: ClinVar variation 3227538 (VCV003227538.1), dbSNP rs2132983760, ClinGen allele CA376557392.